The following is an entry in ClinVar:

NM_005912.3(MC4R):c.53G>T (p.Arg18Leu)

Gene: MC4R (melanocortin 4 receptor; minus strand). Cytogenetic location: 18q21.32.
Variant type: single nucleotide variant.
Coding change: c.53G>T on transcript NM_005912.3 (MANE Select); coding-DNA position 53, G replaced by T.
Protein change: p.Arg18Leu; replaces arginine 18 with leucine.
Molecular consequence: missense variant.
Genome position (GRCh38, 1-based): chr18:60,372,297, C>A on the plus strand (G>T on the coding strand, the complement: MC4R is on the minus strand). VCF-style: chr18-60372297-C-A. GRCh37 (hg19) VCF-style: chr18-58039530-C-A.
Other names: c.53G>T (NM_005912.2); short protein forms R18L.
Identifiers: ClinVar variation 1500886 (VCV001500886.9), dbSNP rs780671601, ClinGen allele CA8980994.
Genomic context (GRCh38, chr18:60,372,297, plus strand): 5'-CCATCAGAGTAGCCTTTTCCAAGGGACTCACTGGCATTGCTGTGCAGTCTGTAACTGCTG[C>A]GGTTCCAGAGGTGCAGAGAAGTGTGCATCCCACGGTGGGTGGAGTTCACCATGCTGGCAG-3'
Protein context (NP_005903.2, residues 8-28): GMHTSLHLWN[Arg18Leu]SSYRLHSNAS

ClinVar aggregate classification (germline): Uncertain significance. Review status: criteria provided, multiple submitters, no conflicts (2 of 4 stars). 4 submissions from 4 submitters: Uncertain significance (4). Last evaluated 2025-08-28.

Conditions:
MC4R-related disorder. Also called: MC4R-related condition.
BODY MASS INDEX QUANTITATIVE TRAIT LOCUS 20 (BMIQ20). Also called: MELANOCORTIN 4 RECEPTOR DEFICIENCY; MC4R DEFICIENCY. Identifiers: MedGen C4759928, OMIM 618406.

Allele frequency attached by ClinVar (database versions not stated): TOPMed 0.00002.
gnomAD v4.1: 49 of 1,614,086 alleles (0.003%); highest among the groups gnomAD compares: Non-Finnish European, 0.0037%; no homozygotes.

Submissions (4):

PreventionGenetics, part of Exact Sciences
Classification: Uncertain significance for MC4R-related condition. Last evaluated: 2025-08-28. Review status: criteria provided, single submitter. Criteria: ACMG Guidelines, 2015. Collection method: clinical testing. Allele origin: germline.
Comment: The MC4R c.53G>T variant is predicted to result in the amino acid substitution p.Arg18Leu. This variant has been reported in individuals with obesity and has been shown to impair receptor activity (Lubrano-Berthelier et al. 2003. PubMed ID: 14633862; Srinivasan et al. 2004. PubMed ID: 15489963; Lubrano-Berthelier et al. 2006. PubMed ID: 16507637; Xiang et al. 2010. PubMed ID: 20462274). Other variants affecting this amino acid residue, p.Arg18His and p.Arg18Cys, have also been reported in individuals with obesity and showed impaired function in experimental studies (Lubrano-Berthelier et al. 2006. PubMed ID: 16507637; Srinivasan et al. 2004. PubMed ID: 15489963; Vaisse et al. 2000. PubMed ID: 10903341). This variant is reported in 0.0031% of alleles in individuals of European (Non-Finnish) descent in gnomAD. At this time, the clinical significance of this variant is uncertain due to the absence of conclusive functional and genetic evidence.

GeneDx
Classification: Uncertain significance. Last evaluated: 2023-11-21. Review status: criteria provided, single submitter. Criteria: GeneDx Variant Classification Process June 2021. Collection method: clinical testing. Allele origin: germline. Affected: yes.
Comment: Observed in individual(s) from a cohort of individuals with obesity without additional clinical details (PMID: 12851297); In silico analysis supports that this missense variant does not alter protein structure/function; This variant is associated with the following publications: (PMID: 17628007, 12851297, 15489963, 20462274)

Labcorp Genetics (formerly Invitae), Labcorp
Classification: Uncertain significance. Last evaluated: 2022-08-22. Review status: criteria provided, single submitter. Criteria: Invitae Variant Classification Sherloc (09022015). Collection method: clinical testing. Allele origin: germline.
Comment: This missense change has been observed in individual(s) with MC4R-related obesity (PMID: 12851297, 14633862). In summary, the available evidence is currently insufficient to determine the role of this variant in disease. Therefore, it has been classified as a Variant of Uncertain Significance. Experimental studies have shown that this missense change affects MC4R function (PMID: 15489963). Advanced modeling of protein sequence and biophysical properties (such as structural, functional, and spatial information, amino acid conservation, physicochemical variation, residue mobility, and thermodynamic stability) performed at Invitae indicates that this missense variant is not expected to disrupt MC4R protein function. ClinVar contains an entry for this variant (Variation ID: 1500886). This variant is present in population databases (no rsID available, gnomAD 0.004%). This sequence change replaces arginine, which is basic and polar, with leucine, which is neutral and non-polar, at codon 18 of the MC4R protein (p.Arg18Leu).

Fulgent Genetics
Classification: Uncertain significance for BODY MASS INDEX QUANTITATIVE TRAIT LOCUS 20. Last evaluated: 2022-03-04. Review status: criteria provided, single submitter. Criteria: ACMG Guidelines, 2015. Collection method: clinical testing. Allele origin: unknown.

Literature cited by the submitters: PubMed 12851297 (cited by Labcorp Genetics (formerly Invitae), Labcorp); PubMed 14633862 (cited by Labcorp Genetics (formerly Invitae), Labcorp); PubMed 15489963 (cited by Labcorp Genetics (formerly Invitae), Labcorp).